The following is an entry in ClinVar:

ClinVar aggregate classification (germline): Uncertain significance (1 of 4 stars; one submission).

Conditions:
Tuberous sclerosis 1 (TSC1). Identifiers: Orphanet 805, MedGen C1854465, MONDO:0008612, OMIM 191100.

gnomAD v4.1: 2 of 1,614,196 alleles (0.00012%); highest among the groups gnomAD compares: Non-Finnish European, 0.00017%; no homozygotes.

Submission:

Labcorp Genetics (formerly Invitae), Labcorp
Classification: Uncertain significance for Tuberous sclerosis 1. Last evaluated: 2024-04-30. Review status: criteria provided, single submitter. Criteria: Invitae Variant Classification Sherloc (09022015). Collection method: clinical testing. Allele origin: germline.
Comment: This sequence change replaces lysine, which is basic and polar, with glutamic acid, which is acidic and polar, at codon 919 of the TSC1 protein (p.Lys919Glu). This variant is not present in population databases (gnomAD no frequency). This variant has not been reported in the literature in individuals affected with TSC1-related conditions. ClinVar contains an entry for this variant (Variation ID: 574799). Advanced modeling of protein sequence and biophysical properties (such as structural, functional, and spatial information, amino acid conservation, physicochemical variation, residue mobility, and thermodynamic stability) performed at Invitae indicates that this missense variant is not expected to disrupt TSC1 protein function with a negative predictive value of 95%. In summary, the available evidence is currently insufficient to determine the role of this variant in disease. Therefore, it has been classified as a Variant of Uncertain Significance.

NM_000368.5(TSC1):c.2755A>G (p.Lys919Glu)

Gene: TSC1 (TSC complex subunit 1; minus strand). Cytogenetic location: 9q34.13.
Variant type: single nucleotide variant.
Coding change: c.2755A>G on transcript NM_000368.5 (MANE Select); coding-DNA position 2755, A replaced by G.
Protein change: p.Lys919Glu; replaces lysine 919 with glutamic acid.
Molecular consequence: missense variant.
Genome position (GRCh38, 1-based): chr9:132,897,481, T>C on the plus strand (A>G on the coding strand, the complement: TSC1 is on the minus strand). VCF-style: chr9-132897481-T-C. GRCh37 (hg19) VCF-style: chr9-135772868-T-C.
Other names: c.2752A>G, p.Lys918Glu (NM_001162426.2); c.2602A>G, p.Lys868Glu (NM_001162427.2); c.2392A>G, p.Lys798Glu (NM_001362177.2); short protein forms K919E, K868E, K798E, K918E.
Identifiers: ClinVar variation 574799 (VCV000574799.8), dbSNP rs1319954878, ClinGen allele CA375369228.